The following is an entry in ClinVar:

NM_000051.4(ATM):c.1193A>T (p.Asp398Val)

Gene: ATM (ATM serine/threonine kinase; plus strand). Cytogenetic location: 11q22.3.
Variant type: single nucleotide variant.
Coding change: c.1193A>T on transcript NM_000051.4 (MANE Select); coding-DNA position 1193, A replaced by T.
Protein change: p.Asp398Val; replaces aspartic acid 398 with valine.
Molecular consequence: missense variant.
Genome position (GRCh38, 1-based): chr11:108,249,060, A>T. VCF-style: chr11-108249060-A-T. GRCh37 (hg19) VCF-style: chr11-108119787-A-T.
Other names: c.1193A>T, p.Asp398Val (NM_001351834.2); short protein forms D398V.
Identifiers: ClinVar variation 2858064 (VCV002858064.4), dbSNP rs1312342238, ClinGen allele CA382532577.

ClinVar aggregate classification (germline): Uncertain significance. Review status: criteria provided, multiple submitters, no conflicts (2 of 4 stars). 2 submissions from 2 submitters: Uncertain significance (2). Last evaluated 2025-08-12.

Conditions:
Hereditary cancer-predisposing syndrome. Also called: Hereditary Cancer Syndrome; Hereditary neoplastic syndrome; Neoplastic Syndromes, Hereditary; Tumor predisposition. Identifiers: Orphanet 140162, MedGen C0027672, MeSH D009386, MONDO:0015356.
Ataxia-telangiectasia syndrome (AT). Also called: LOUIS-BAR SYNDROME; Cerebello-oculocutaneous telangiectasia; Immunodeficiency with ataxia telangiectasia; Ataxia telangiectasia (A-T); ATAXIA-TELANGIECTASIA, COMPLEMENTATION GROUP A; ATAXIA-TELANGIECTASIA, FRESNO VARIANT. Identifiers: Orphanet 100, MedGen C0004135, MONDO:0008840, OMIM 208900.

Allele frequency attached by ClinVar (database versions not stated): gnomAD exomes below 0.00001.
gnomAD v4.1: 1 of 1,614,078 alleles (0.000062%); no homozygotes.

Submissions (2):

Ambry Genetics
Classification: Uncertain significance for Hereditary cancer-predisposing syndrome. Last evaluated: 2025-08-12. Review status: criteria provided, single submitter. Criteria: Ambry Variant Classification Scheme 2023. Collection method: clinical testing. Allele origin: germline.
Comment: The p.D398V variant (also known as c.1193A>T), located in coding exon 8 of the ATM gene, results from an A to T substitution at nucleotide position 1193. The aspartic acid at codon 398 is replaced by valine, an amino acid with highly dissimilar properties. This amino acid position is conserved. In addition, the in silico prediction for this alteration is inconclusive. Based on the available evidence, the clinical significance of this variant remains unclear.

Labcorp Genetics (formerly Invitae), Labcorp
Classification: Uncertain significance for Ataxia-telangiectasia syndrome. Last evaluated: 2024-08-31. Review status: criteria provided, single submitter. Criteria: Invitae Variant Classification Sherloc (09022015). Collection method: clinical testing. Allele origin: germline.
Comment: This sequence change replaces aspartic acid, which is acidic and polar, with valine, which is neutral and non-polar, at codon 398 of the ATM protein (p.Asp398Val). This variant is present in population databases (no rsID available, gnomAD 0.004%). This variant has not been reported in the literature in individuals affected with ATM-related conditions. An algorithm developed to predict the effect of missense changes on protein structure and function (PolyPhen-2) suggests that this variant is likely to be disruptive. In summary, the available evidence is currently insufficient to determine the role of this variant in disease. Therefore, it has been classified as a Variant of Uncertain Significance.